The following is an entry in ClinVar:

ClinVar aggregate classification (germline): Uncertain significance (1 of 4 stars; one submission).

Submission:

Labcorp Genetics (formerly Invitae), Labcorp
Classification: Uncertain significance. Last evaluated: 2023-07-18. Review status: criteria provided, single submitter. Criteria: Invitae Variant Classification Sherloc (09022015). Collection method: clinical testing. Allele origin: germline.
Comment: In summary, the available evidence is currently insufficient to determine the role of this variant in disease. Therefore, it has been classified as a Variant of Uncertain Significance. This variant has not been reported in the literature in individuals affected with RAI1-related conditions. This variant is not present in population databases (gnomAD no frequency). This variant, c.836_837insACAGCAGCAGCA, results in the insertion of 4 amino acid(s) of the RAI1 protein (p.Gln288_Gln291dup), but otherwise preserves the integrity of the reading frame.

NM_030665.4(RAI1):c.836_837insACAGCAGCAGCA (p.Gln291_Ala292insGlnGlnGlnGln)

Gene: RAI1 (retinoic acid induced 1; plus strand). Cytogenetic location: 17p11.2.
Variant type: Insertion.
Coding change: c.836_837insACAGCAGCAGCA on transcript NM_030665.4 (MANE Select); coding-DNA positions 836 to 837, ACAGCAGCAGCA inserted.
Protein change: p.Gln291_Ala292insGlnGlnGlnGln.
Molecular consequence: inframe insertion.
Genome position: GRCh38 VCF-style: chr17-17793779-C-CCAGCAACAGCAG. GRCh37 (hg19) VCF-style: chr17-17697093-C-CCAGCAACAGCAG.
Identifiers: ClinVar variation 2903390 (VCV002903390.3), dbSNP rs587780428, ClinGen allele CA726623075.